The following is an entry in ClinVar:

ClinVar aggregate classification (germline): Uncertain significance (1 of 4 stars; one submission).

Allele frequency attached by ClinVar (database versions not stated): gnomAD exomes 0.00002 and 0.00009; ExAC 0.00013; gnomAD 0.00021 and 0.00026; 1000 Genomes Project 30x 0.00031; TOPMed 0.00039; 1000 Genomes Project 0.00040; ESP Exome Variant Server 0.00069.
gnomAD v4.1: 68 of 1,597,134 alleles (0.0043%); highest among the groups gnomAD compares: African/African-American, 0.087%; no homozygotes.

Submission:

Labcorp Genetics (formerly Invitae), Labcorp
Classification: Uncertain significance. Last evaluated: 2025-09-19. Review status: criteria provided, single submitter. Criteria: Invitae Variant Classification Sherloc (09022015). Collection method: clinical testing. Allele origin: germline.
Comment: This sequence change replaces glutamic acid, which is acidic and polar, with glutamine, which is neutral and polar, at codon 718 of the ERBIN protein (p.Glu718Gln). This variant is present in population databases (rs201552740, gnomAD 0.1%), and has an allele count higher than expected for a pathogenic variant. This variant has not been reported in the literature in individuals affected with ERBIN-related conditions. ClinVar contains an entry for this variant (Variation ID: 1053306). An algorithm developed to predict the effect of missense changes on protein structure and function (PolyPhen-2) suggests that this variant is likely to be tolerated. In summary, the available evidence is currently insufficient to determine the role of this variant in disease. Therefore, it has been classified as a Variant of Uncertain Significance.

NM_001253697.2(ERBIN):c.2152G>C (p.Glu718Gln)

Gene: ERBIN (erbb2 interacting protein; plus strand). Cytogenetic location: 5q12.3.
Variant type: single nucleotide variant.
Coding change: c.2152G>C on transcript NM_001253697.2 (MANE Select); coding-DNA position 2152, G replaced by C.
Protein change: p.Glu718Gln; replaces glutamic acid 718 with glutamine.
Molecular consequence: missense variant.
Genome position (GRCh38, 1-based): chr5:66,053,470, G>C. VCF-style: chr5-66053470-G-C. GRCh37 (hg19) VCF-style: chr5-65349298-G-C.
Other names: c.2152G>C, p.Glu718Gln (NM_001006600.3, NM_001253698.2, NM_001253699.2 and 1 more transcripts); c.2140G>C, p.Glu714Gln (NM_001253701.2); short protein forms E714Q, E718Q.
Identifiers: ClinVar variation 1053306 (VCV001053306.9), dbSNP rs201552740, ClinGen allele CA3286441.